The following is an entry in ClinVar:

NM_007078.3(LDB3):c.94-119G>A

Gene: LDB3 (LIM domain binding 3; plus strand). Cytogenetic location: 10q23.2.
Variant type: single nucleotide variant.
Coding change: c.94-119G>A on transcript NM_007078.3 (MANE Select); 119 bases into the intron before coding-DNA position 94, G replaced by A.
Molecular consequence: intron variant.
Genome position (GRCh38, 1-based): chr10:86,679,248, G>A. VCF-style: chr10-86679248-G-A. GRCh37 (hg19) VCF-style: chr10-88439005-G-A.
Other names: c.94-119G>A (NM_001368064.1, NM_001368063.1, NM_001368068.1 and 8 more transcripts).
Identifiers: ClinVar variation 672518 (VCV000672518.2), dbSNP rs4468255, ClinGen allele CA13163693.
Genomic context (GRCh38, chr10:86,679,248, plus strand): 5'-TGGTAGTCATGTGCCGGAAAGAGGAACTAGGCTTGGTTAGCAGCTGGTACTGGCCGTAGC[G>A]AATGAAAAACACAATGACGGCTTCTGTTGAATACTCCCGGGTGACTCTTCCCCAAGGACT-3'

ClinVar aggregate classification (germline): Benign. Review status: criteria provided, multiple submitters, no conflicts (2 of 4 stars). 2 submissions from 2 submitters: Benign (2). Last evaluated 2018-06-18.

Allele frequency attached by ClinVar (database versions not stated): TOPMed 0.22631; 1000 Genomes Project 30x 0.23657; 1000 Genomes Project 0.24201.
gnomAD v4.1: 385,182 of 1,260,070 alleles (31%); highest among the groups gnomAD compares: South Asian, 41%; 62,016 homozygotes.

Submissions (2):

GeneDx
Classification: Benign. Last evaluated: 2018-06-18. Review status: criteria provided, single submitter. Criteria: GeneDx Variant Classification (06012015). Collection method: clinical testing. Allele origin: germline. Affected: yes.
Comment: This variant is considered likely benign or benign based on one or more of the following criteria: it is a conservative change, it occurs at a poorly conserved position in the protein, it is predicted to be benign by multiple in silico algorithms, and/or has population frequency not consistent with disease.

Breakthrough Genomics
Classification: Benign. Review status: criteria provided, single submitter. Criteria: ACMG Guidelines, 2015. Collection method: not provided. Allele origin: germline. Inheritance: Autosomal dominant inheritance. Affected: yes.